The following is an entry in ClinVar:

ClinVar aggregate classification (germline): Likely benign (1 of 4 stars; one submission).

gnomAD v4.1: 18 of 1,535,300 alleles (0.0012%); highest among the groups gnomAD compares: East Asian, 0.0024%; no homozygotes.

Submission:

Mayo Clinic Laboratories, Mayo Clinic
Classification: Likely benign. Last evaluated: 2025-03-03. Review status: criteria provided, single submitter. Criteria: ACMG Guidelines, 2015. Collection method: clinical testing. Allele origin: germline. Observed: 2 variant alleles.
Comment: BP4, BP7, PM2_moderate

NM_001142864.4(PIEZO1):c.951C>T (p.Gly317=)

Genes: HSALR1 (HSP90AB1 associated lncRNA 1; plus strand), PIEZO1 (piezo type mechanosensitive ion channel component 1 (Er blood group); minus strand). Cytogenetic location: 16q24.3.
Variant type: single nucleotide variant.
Coding change: c.951C>T on transcript NM_001142864.4 (MANE Select); coding-DNA position 951, C replaced by T.
Protein change: p.Gly317=; no amino-acid change (glycine 317 retained).
Molecular consequence: synonymous variant. On other transcripts: non-coding transcript variant (1).
Genome position (GRCh38, 1-based): chr16:88,738,003, G>A on the plus strand (C>T on the coding strand, the complement: PIEZO1 is on the minus strand). VCF-style: chr16-88738003-G-A. GRCh37 (hg19) VCF-style: chr16-88804411-G-A.
Other names: p.Gly317=.
Identifiers: ClinVar variation 4684156 (VCV004684156.1).